The following is an entry in ClinVar:

NM_000088.4(COL1A1):c.458dup (p.Gly154fs)

Gene: COL1A1 (collagen type I alpha 1 chain; minus strand). Cytogenetic location: 17q21.33.
Variant type: Duplication.
Coding change: c.458dup on transcript NM_000088.4 (MANE Select); coding-DNA position 458, one base duplicated (C; older notation c.458dupC).
Protein change: p.Gly154fs; shifts the reading frame from glycine 154.
Molecular consequence: frameshift variant.
Genome position (GRCh38, 1-based): chr17:50,199,239, G duplicated on the plus strand (C on the coding strand, the reverse complement: COL1A1 is on the minus strand); the first of 5 consecutive G bases (chr17:50,199,239-50,199,243); duplicating any one gives the same sequence. VCF-style (leftmost placement, unchanged base first): chr17-50199238-A-AG. GRCh37 (hg19) VCF-style: chr17-48276599-A-AG.
Other names: c.458dup, p.Gly154fs (LRG_1t1); c.458dupC (NM_000088.3); short protein forms G154fs.
Identifiers: ClinVar variation 425633 (VCV000425633.11), dbSNP rs1114167407, ClinGen allele CA645293910.

ClinVar aggregate classification (germline): Pathogenic. Review status: criteria provided, multiple submitters, no conflicts (2 of 4 stars). 3 submissions from 3 submitters: Pathogenic (2). 1 of the submissions does not count toward it. Last evaluated 2024-10-30.

Conditions:
Osteogenesis imperfecta type I (OI1). Also called: Lobstein's Disease; Lobstein disease; Osteogenesis imperfecta type 1; OI, TYPE I; OSTEOGENESIS IMPERFECTA TARDA; OSTEOGENESIS IMPERFECTA WITH BLUE SCLERAE. Identifiers: Orphanet 216796, Orphanet 666, MedGen C0023931, MONDO:0008146, OMIM 166200. Disease mechanism: loss of function.

Submissions (3):

Labcorp Genetics (formerly Invitae), Labcorp
Classification: Pathogenic for Osteogenesis imperfecta type I. Last evaluated: 2024-10-30. Review status: criteria provided, single submitter. Criteria: Invitae Variant Classification Sherloc (09022015). Collection method: clinical testing. Allele origin: germline.
Comment: This sequence change creates a premature translational stop signal (p.Gly154Trpfs*15) in the COL1A1 gene. It is expected to result in an absent or disrupted protein product. Loss-of-function variants in COL1A1 are known to be pathogenic (PMID: 7942841, 9295084, 9443882). This variant is not present in population databases (gnomAD no frequency). This premature translational stop signal has been observed in individual(s) with osteogenesis imperfecta (PMID: 26177859). ClinVar contains an entry for this variant (Variation ID: 425633). For these reasons, this variant has been classified as Pathogenic.

GeneDx
Classification: Pathogenic. Last evaluated: 2017-09-01. Review status: criteria provided, single submitter. Criteria: GeneDx Variant Classification (06012015). Collection method: clinical testing. Allele origin: germline. Affected: yes.
Comment: The c.458dupC pathogenic variant in the COL1A1 gene has been reported in association with osteogenesis imperfecta (Lindahl et al. 2015). This variant causes a frameshift starting with codon Glycine 154, changes this amino acid to a a Tryptophan residue and creates a premature Stop codon at position 15 of the new reading frame, denoted p.G154WfsX15. This pathogenic variant is predicted to cause loss of normal protein function either through protein truncation or nonsense-mediated mRNA decay.

Department of Medical Sciences, Uppsala University
Classification: Pathogenic for OI type I. Review status: no assertion criteria provided. Collection method: clinical testing. Allele origin: maternal. Affected: yes. Observed: 2 variant alleles. Not counted in ClinVar's aggregate classification.

Literature cited by the submitters: PubMed 7942841 (cited by Labcorp Genetics (formerly Invitae), Labcorp); PubMed 9295084 (cited by Labcorp Genetics (formerly Invitae), Labcorp); PubMed 9443882 (cited by Labcorp Genetics (formerly Invitae), Labcorp); PubMed 26177859 (cited by Labcorp Genetics (formerly Invitae), Labcorp); PubMed 25944380 (cited by Department of Medical Sciences, Uppsala University).